The following is an entry in ClinVar:

NM_001329943.3(KIAA0586):c.586G>T (p.Val196Leu)

Gene: KIAA0586 (KIAA0586; plus strand). Cytogenetic location: 14q23.1.
Variant type: single nucleotide variant.
Coding change: c.586G>T on transcript NM_001329943.3 (MANE Select); coding-DNA position 586, G replaced by T.
Protein change: p.Val196Leu; replaces valine 196 with leucine.
Molecular consequence: missense variant.
Genome position (GRCh38, 1-based): chr14:58,443,954, G>T. VCF-style: chr14-58443954-G-T. GRCh37 (hg19) VCF-style: chr14-58910672-G-T.
Other names: c.586G>T (NM_014749.3); c.745G>T, p.Val249Leu (NM_001244189.2); c.541G>T, p.Val181Leu (NM_001244190.2); c.331G>T, p.Val111Leu (NM_001244191.2, NM_001329945.2, NM_001364700.1 and 1 more transcripts); c.454G>T, p.Val152Leu (NM_001244192.2); c.166G>T, p.Val56Leu (NM_001244193.2); c.586G>T, p.Val196Leu (NM_001329944.2, NM_001329946.2, NM_001329947.2 and 1 more transcripts); short protein forms V111L, V181L, V196L, V249L, V56L, V152L.
Identifiers: ClinVar variation 2158145 (VCV002158145.4), dbSNP rs760351481, ClinGen allele CA7205436.
Genomic context (GRCh38, chr14:58,443,954, plus strand): 5'-ATTAGACATATTTTTGGTATCCTATAATGTGAATTTTTAAAAATGTTTTTATTGTTTTAG[G>T]TGCAGAGTGATTTGGAAGCAAAAGTCAATTCTGTTACAGAATTACTTAGTAAATTACAGG-3'
Protein context (NP_001316872.1, residues 186-206): AIATAAPLIK[Val196Leu]QSDLEAKVNS

ClinVar aggregate classification (germline): Uncertain significance. Review status: criteria provided, multiple submitters, no conflicts (2 of 4 stars). 2 submissions from 2 submitters: Uncertain significance (2). Last evaluated 2026-02-04.

Conditions:
Short-rib thoracic dysplasia 14 with polydactyly (SRTD14). Identifiers: Orphanet 397715, MedGen C4225286, MONDO:0014688, OMIM 616546.
Joubert syndrome 23 (JBTS23). Identifiers: Orphanet 475, MedGen C4084822, MONDO:0014664, OMIM 616490.
Inborn genetic diseases. Identifiers: MedGen C0950123, MeSH D030342.

Allele frequency attached by ClinVar (database versions not stated): gnomAD exomes below 0.00001; TOPMed 0.00001; ExAC 0.00002.
gnomAD v4.1: 3 of 1,582,212 alleles (0.00019%); highest among the groups gnomAD compares: Admixed American, 0.0052%; no homozygotes.

Submissions (2):

Ambry Genetics
Classification: Uncertain significance for Inborn genetic diseases. Last evaluated: 2026-02-04. Review status: criteria provided, single submitter. Criteria: Ambry Variant Classification Scheme 2023. Collection method: clinical testing. Allele origin: germline.
Comment: The c.586G>T (p.V196L) alteration is located in exon 6 (coding exon 6) of the KIAA0586 gene. This alteration results from a G to T substitution at nucleotide position 586, causing the valine (V) at amino acid position 196 to be replaced by a leucine (L). Based on data from gnomAD, the T allele has an overall frequency of 0.001% (2/227760) total alleles studied. The highest observed frequency was 0.006% (2/31794) of Latino alleles. Based on insufficient or conflicting evidence, the clinical significance of this alteration remains unclear.

Labcorp Genetics (formerly Invitae), Labcorp
Classification: Uncertain significance for Joubert syndrome 23; Short-rib thoracic dysplasia 14 with polydactyly. Last evaluated: 2022-07-18. Review status: criteria provided, single submitter. Criteria: Invitae Variant Classification Sherloc (09022015). Collection method: clinical testing. Allele origin: germline.
Comment: In summary, the available evidence is currently insufficient to determine the role of this variant in disease. Therefore, it has been classified as a Variant of Uncertain Significance. Algorithms developed to predict the effect of sequence changes on RNA splicing suggest that this variant may create or strengthen a splice site. Algorithms developed to predict the effect of missense changes on protein structure and function are either unavailable or do not agree on the potential impact of this missense change (SIFT: "Deleterious"; PolyPhen-2: "Probably Damaging"; Align-GVGD: "Class C0"). This variant has not been reported in the literature in individuals affected with KIAA0586-related conditions. This variant is present in population databases (rs760351481, gnomAD 0.006%). This sequence change replaces valine, which is neutral and non-polar, with leucine, which is neutral and non-polar, at codon 249 of the KIAA0586 protein (p.Val249Leu).